The following is an entry in ClinVar:

ClinVar aggregate classification (germline): Uncertain significance (1 of 4 stars; one submission).

Allele frequency attached by ClinVar (database versions not stated): gnomAD exomes below 0.00001; TOPMed 0.00001; gnomAD 0.00002.
gnomAD v4.1: 5 of 1,614,064 alleles (0.00031%); highest among the groups gnomAD compares: African/African-American, 0.0053%; no homozygotes.

Submission:

Labcorp Genetics (formerly Invitae), Labcorp
Classification: Uncertain significance. Last evaluated: 2023-08-10. Review status: criteria provided, single submitter. Criteria: Invitae Variant Classification Sherloc (09022015). Collection method: clinical testing. Allele origin: germline.
Comment: In summary, the available evidence is currently insufficient to determine the role of this variant in disease. Therefore, it has been classified as a Variant of Uncertain Significance. Advanced modeling of protein sequence and biophysical properties (such as structural, functional, and spatial information, amino acid conservation, physicochemical variation, residue mobility, and thermodynamic stability) performed at Invitae indicates that this missense variant is not expected to disrupt EMC1 protein function. ClinVar contains an entry for this variant (Variation ID: 1369557). This variant has not been reported in the literature in individuals affected with EMC1-related conditions. This variant is present in population databases (no rsID available, gnomAD 0.007%). This sequence change replaces isoleucine, which is neutral and non-polar, with valine, which is neutral and non-polar, at codon 522 of the EMC1 protein (p.Ile522Val).

NM_015047.3(EMC1):c.1564A>G (p.Ile522Val)

Genes: EMC1 (ER membrane protein complex subunit 1; minus strand), EMC1-AS1 (EMC1 antisense RNA 1; plus strand). Cytogenetic location: 1p36.13.
Variant type: single nucleotide variant.
Coding change: c.1564A>G on transcript NM_015047.3 (MANE Select); coding-DNA position 1564, A replaced by G.
Protein change: p.Ile522Val; replaces isoleucine 522 with valine.
Molecular consequence: missense variant.
Genome position (GRCh38, 1-based): chr1:19,233,004, T>C on the plus strand (A>G on the coding strand, the complement: EMC1 is on the minus strand). VCF-style: chr1-19233004-T-C. GRCh37 (hg19) VCF-style: chr1-19559498-T-C.
Other names: c.1561A>G, p.Ile521Val (NM_001271427.2, NM_001271428.2); c.1498A>G, p.Ile500Val (NM_001271429.2); c.1573A>G, p.Ile525Val (NM_001375820.1); c.1570A>G, p.Ile524Val (NM_001375821.1); short protein forms I500V, I521V, I522V, I525V, I524V.
Identifiers: ClinVar variation 1369557 (VCV001369557.6), dbSNP rs1395645111, ClinGen allele CA338762531.